The following is an entry in ClinVar:

NM_004104.5(FASN):c.1669A>T (p.Thr557Ser)

Gene: FASN (fatty acid synthase; minus strand). Cytogenetic location: 17q25.3.
Variant type: single nucleotide variant.
Coding change: c.1669A>T on transcript NM_004104.5 (MANE Select); coding-DNA position 1669, A replaced by T.
Protein change: p.Thr557Ser; replaces threonine 557 with serine.
Molecular consequence: missense variant.
Genome position (GRCh38, 1-based): chr17:82,090,893, T>A on the plus strand (A>T on the coding strand, the complement: FASN is on the minus strand). VCF-style: chr17-82090893-T-A. GRCh37 (hg19) VCF-style: chr17-80048769-T-A.
Other names: short protein forms T557S.
Identifiers: ClinVar variation 657001 (VCV000657001.8), dbSNP rs1598581632, ClinGen allele CA401559962.

ClinVar aggregate classification (germline): Uncertain significance (1 of 4 stars; one submission).

Conditions:
Epileptic encephalopathy. Identifiers: MedGen C0543888, HP:0200134.

Submission:

Labcorp Genetics (formerly Invitae), Labcorp
Classification: Uncertain significance for Epileptic encephalopathy. Last evaluated: 2022-08-09. Review status: criteria provided, single submitter. Criteria: Invitae Variant Classification Sherloc (09022015). Collection method: clinical testing. Allele origin: germline.
Comment: In summary, the available evidence is currently insufficient to determine the role of this variant in disease. Therefore, it has been classified as a Variant of Uncertain Significance. Algorithms developed to predict the effect of missense changes on protein structure and function (SIFT, PolyPhen-2, Align-GVGD) all suggest that this variant is likely to be tolerated. ClinVar contains an entry for this variant (Variation ID: 657001). This variant has not been reported in the literature in individuals affected with FASN-related conditions. This variant is not present in population databases (gnomAD no frequency). This sequence change replaces threonine, which is neutral and polar, with serine, which is neutral and polar, at codon 557 of the FASN protein (p.Thr557Ser).